The following is an entry in ClinVar:

NM_000426.4(LAMA2):c.8020_8023dup (p.Arg2675fs)

Gene: LAMA2 (laminin subunit alpha 2; plus strand). Cytogenetic location: 6q22.33.
Variant type: Duplication.
Coding change: c.8020_8023dup on transcript NM_000426.4 (MANE Select); coding-DNA positions 8020 to 8023, 4 bases duplicated (CTCA; older notation c.8020_8023dupCTCA).
Protein change: p.Arg2675fs; shifts the reading frame from arginine 2675.
Molecular consequence: frameshift variant.
Genome position (GRCh38, 1-based): chr6:129,492,022-129,492,025, CTCA duplicated; duplicating any 4 consecutive bases within chr6:129,492,020-129,492,025 gives the same sequence; the c. name uses the placement nearest the transcript's 3' end. VCF-style (leftmost placement, unchanged base first): chr6-129492019-C-CCACT. GRCh37 (hg19) VCF-style: chr6-129813164-C-CCACT.
Other names: c.8008_8011dup, p.Arg2671fs (NM_001079823.2); short protein forms R2675fs, R2671fs.
Identifiers: ClinVar variation 850600 (VCV000850600.9), dbSNP rs1784889421, ClinGen allele CA916081490.

ClinVar aggregate classification (germline): Pathogenic (1 of 4 stars; one submission).

Conditions:
LAMA2-related muscular dystrophy (LAMA2-RD). Also called: Laminin alpha 2-related dystrophy. Identifiers: MedGen C5679788, MONDO:0100228.

Submission:

Labcorp Genetics (formerly Invitae), Labcorp
Classification: Pathogenic for LAMA2-related muscular dystrophy. Last evaluated: 2022-11-15. Review status: criteria provided, single submitter. Criteria: Invitae Variant Classification Sherloc (09022015). Collection method: clinical testing. Allele origin: germline.
Comment: For these reasons, this variant has been classified as Pathogenic. ClinVar contains an entry for this variant (Variation ID: 850600). This variant has not been reported in the literature in individuals affected with LAMA2-related conditions. This variant is not present in population databases (gnomAD no frequency). This sequence change creates a premature translational stop signal (p.Arg2675Thrfs*8) in the LAMA2 gene. It is expected to result in an absent or disrupted protein product. Loss-of-function variants in LAMA2 are known to be pathogenic (PMID: 18700894, 32904964).

Literature cited by the submitters: PubMed 18700894; PubMed 32904964.